The following is an entry in ClinVar:

ClinVar aggregate classification (germline): Uncertain significance (1 of 4 stars; one submission).

Submission:

GeneDx
Classification: Uncertain significance. Last evaluated: 2025-07-31. Review status: criteria provided, single submitter. Criteria: GeneDx Variant Classification Process June 2021. Collection method: clinical testing. Allele origin: germline. Affected: yes.
Comment: Not observed at significant frequency in large population cohorts (gnomAD); In silico analysis supports that this missense variant has a deleterious effect on protein structure/function; Has not been previously published as pathogenic or benign to our knowledge

NM_001385079.1(PDE10A):c.2405G>A (p.Cys802Tyr)

Gene: PDE10A (phosphodiesterase 10A; minus strand). Cytogenetic location: 6q27.
Variant type: single nucleotide variant.
Coding change: c.2405G>A on transcript NM_001385079.1 (MANE Select); coding-DNA position 2405, G replaced by A.
Protein change: p.Cys802Tyr; replaces cysteine 802 with tyrosine.
Molecular consequence: missense variant.
Genome position (GRCh38, 1-based): chr6:165,392,695, C>T on the plus strand (G>A on the coding strand, the complement: PDE10A is on the minus strand). VCF-style: chr6-165392695-C-T. GRCh37 (hg19) VCF-style: chr6-165806184-C-T.
Other names: c.1607G>A, p.Cys536Tyr (NM_001130690.3); c.1577G>A, p.Cys526Tyr (NM_006661.4); short protein forms C526Y, C536Y, C802Y.
Identifiers: ClinVar variation 4690058 (VCV004690058.1).